The following is an entry in ClinVar:

ClinVar aggregate classification (germline): Uncertain significance (1 of 4 stars; one submission).

Conditions:
ABCC8-related disorder.

gnomAD v4.1: 4 of 1,614,126 alleles (0.00025%); highest among the groups gnomAD compares: Non-Finnish European, 0.00025%; no homozygotes.

Submission:

PreventionGenetics, part of Exact Sciences
Classification: Uncertain significance for ABCC8-related condition. Last evaluated: 2025-12-30. Review status: criteria provided, single submitter. Criteria: ACMG Guidelines, 2015. Collection method: clinical testing. Allele origin: germline.
Comment: The ABCC8 c.2882C>T variant is predicted to result in the amino acid substitution p.Ser961Leu. This variant, also referred to as c.2885C>T (p.Ser962Leu) using an alternate transcript (NM_001287174), has been reported in the heterozygous state in one individual with early-onset diabetes and in a family including one child and one parent with diabetes (Li et al. 2021. PubMed ID: 33300273; Li et al. 2022. PubMed ID: 35992135). This variant is reported in 0.0029% of alleles in individuals of Latino descent in gnomAD. At this time, the clinical significance of this variant is uncertain due to the absence of conclusive functional and genetic evidence.

NM_000352.6(ABCC8):c.2882C>T (p.Ser961Leu)

Gene: ABCC8 (ATP binding cassette subfamily C member 8; minus strand). Cytogenetic location: 11p15.1.
Variant type: single nucleotide variant.
Coding change: c.2882C>T on transcript NM_000352.6 (MANE Select); coding-DNA position 2882, C replaced by T.
Protein change: p.Ser961Leu; replaces serine 961 with leucine.
Molecular consequence: missense variant. On other transcripts: non-coding transcript variant (1).
Genome position (GRCh38, 1-based): chr11:17,407,392, G>A on the plus strand (C>T on the coding strand, the complement: ABCC8 is on the minus strand). VCF-style: chr11-17407392-G-A. GRCh37 (hg19) VCF-style: chr11-17428939-G-A.
Other names: c.2885C>T, p.Ser962Leu (NM_001287174.3); c.2948C>T, p.Ser983Leu (NM_001351295.2); c.2882C>T, p.Ser961Leu (NM_001351296.2); c.2879C>T, p.Ser960Leu (NM_001351297.2); short protein forms S962L, S960L, S961L, S983L.
Identifiers: ClinVar variation 4979356 (VCV004979356.1).